The following is an entry in ClinVar:

NM_006245.4(PPP2R5D):c.1428G>C (p.Met476Ile)

Gene: PPP2R5D (protein phosphatase 2 regulatory subunit B'delta; plus strand). Cytogenetic location: 6p21.1.
Variant type: single nucleotide variant.
Coding change: c.1428G>C on transcript NM_006245.4 (MANE Select); coding-DNA position 1428, G replaced by C.
Protein change: p.Met476Ile; replaces methionine 476 with isoleucine.
Molecular consequence: missense variant.
Genome position (GRCh38, 1-based): chr6:43,010,516, G>C. VCF-style: chr6-43010516-G-C. GRCh37 (hg19) VCF-style: chr6-42978254-G-C.
Other names: c.975G>C, p.Met325Ile (NM_001270476.2); c.1332G>C, p.Met444Ile (NM_180976.3); c.1110G>C, p.Met370Ile (NM_180977.3); short protein forms M325I, M370I, M444I, M476I.
Identifiers: ClinVar variation 3384367 (VCV003384367.2).
Genomic context (GRCh38, chr6:43,010,516, plus strand): 5'-TCTTGGTGGCAGGACAATCCATGGACTGATCTATAATGCCCTGAAGTTGTTTATGGAAAT[G>C]AATCAGAAGCTGTTTGATGACTGCACACAACAATACAAGGCAGAGAAGCAGAAGTGAGTA-3'
Protein context (NP_006236.1, residues 466-486): IYNALKLFME[Met476Ile]NQKLFDDCTQ

ClinVar aggregate classification (germline): Uncertain significance (1 of 4 stars; one submission).

Submission:

GeneDx
Classification: Uncertain significance. Last evaluated: 2025-01-05. Review status: criteria provided, single submitter. Criteria: GeneDx Variant Classification Process June 2021. Collection method: clinical testing. Allele origin: germline.
Comment: Not observed at significant frequency in large population cohorts (gnomAD); In silico analysis supports that this missense variant has a deleterious effect on protein structure/function; Has not been previously published as pathogenic or benign to our knowledge